The following is an entry in ClinVar:

NM_030632.3(ASXL3):c.35G>C (p.Trp12Ser)

Gene: ASXL3 (ASXL transcriptional regulator 3; plus strand). Cytogenetic location: 18q12.1.
Variant type: single nucleotide variant.
Coding change: c.35G>C on transcript NM_030632.3 (MANE Select); coding-DNA position 35, G replaced by C.
Protein change: p.Trp12Ser; replaces tryptophan 12 with serine.
Molecular consequence: missense variant.
Genome position (GRCh38, 1-based): chr18:33,578,666, G>C. VCF-style: chr18-33578666-G-C. GRCh37 (hg19) VCF-style: chr18-31158630-G-C.
Other names: short protein forms W12S.
Identifiers: ClinVar variation 3365650 (VCV003365650.1).

ClinVar aggregate classification (germline): Uncertain significance (1 of 4 stars; one submission).

Submission:

GeneDx
Classification: Uncertain significance. Last evaluated: 2023-12-12. Review status: criteria provided, single submitter. Criteria: GeneDx Variant Classification Process June 2021. Collection method: clinical testing. Allele origin: germline. Affected: yes.
Comment: Has not been previously published as pathogenic or benign to our knowledge; Not observed at significant frequency in large population cohorts (gnomAD); In silico analysis supports that this missense variant has a deleterious effect on protein structure/function